The following is an entry in ClinVar:

ClinVar aggregate classification (germline): Uncertain significance (1 of 4 stars; one submission).

Submission:

Labcorp Genetics (formerly Invitae), Labcorp
Classification: Uncertain significance. Last evaluated: 2022-07-30. Review status: criteria provided, single submitter. Criteria: Invitae Variant Classification Sherloc (09022015). Collection method: clinical testing. Allele origin: germline.
Comment: This sequence change replaces leucine, which is neutral and non-polar, with phenylalanine, which is neutral and non-polar, at codon 311 of the VPS33A protein (p.Leu311Phe). This variant is not present in population databases (gnomAD no frequency). This variant has not been reported in the literature in individuals affected with VPS33A-related conditions. Algorithms developed to predict the effect of missense changes on protein structure and function are either unavailable or do not agree on the potential impact of this missense change (SIFT: "Tolerated"; PolyPhen-2: "Probably Damaging"; Align-GVGD: "Class C0"). In summary, the available evidence is currently insufficient to determine the role of this variant in disease. Therefore, it has been classified as a Variant of Uncertain Significance.

NM_022916.6(VPS33A):c.931C>T (p.Leu311Phe)

Gene: VPS33A (VPS33A core subunit of CORVET and HOPS complexes; minus strand). Cytogenetic location: 12q24.31.
Variant type: single nucleotide variant.
Coding change: c.931C>T on transcript NM_022916.6 (MANE Select); coding-DNA position 931, C replaced by T.
Protein change: p.Leu311Phe; replaces leucine 311 with phenylalanine.
Molecular consequence: missense variant. On other transcripts: intron variant (1).
Genome position (GRCh38, 1-based): chr12:122,244,607, G>A on the plus strand (C>T on the coding strand, the complement: VPS33A is on the minus strand). VCF-style: chr12-122244607-G-A. GRCh37 (hg19) VCF-style: chr12-122729154-G-A.
Other names: c.898C>T, p.Leu300Phe (NM_001351018.2); c.883C>T, p.Leu295Phe (NM_001351019.2); c.776-4662C>T (NM_001351020.2); short protein forms L300F, L295F, L311F.
Identifiers: ClinVar variation 2079120 (VCV002079120.4), dbSNP rs762144337, ClinGen allele CA387054338.